The following is an entry in ClinVar:

NM_001165963.4(SCN1A):c.1561C>T (p.Gln521Ter)

Gene: SCN1A (sodium voltage-gated channel alpha subunit 1; minus strand). Cytogenetic location: 2q24.3.
Variant type: single nucleotide variant.
Coding change: c.1561C>T on transcript NM_001165963.4 (MANE Select); coding-DNA position 1561, C replaced by T.
Protein change: p.Gln521Ter; replaces glutamine 521 with a stop codon.
Molecular consequence: nonsense. On other transcripts: 5 prime UTR variant (1), non-coding transcript variant (1).
Genome position (GRCh38, 1-based): chr2:166,045,144, G>A on the plus strand (C>T on the coding strand, the complement: SCN1A is on the minus strand). VCF-style: chr2-166045144-G-A. GRCh37 (hg19) VCF-style: chr2-166901654-G-A.
Other names: c.1561C>T, p.Gln521Ter (NM_001165964.3, NM_001202435.3, NM_001353948.2 and 7 more transcripts); c.1558C>T, p.Gln520Ter (NM_001353954.2, NM_001353955.2, NM_001353960.2); c.-865C>T (NM_001353961.2); short protein forms Q520*, Q521*.
Identifiers: ClinVar variation 2097431 (VCV002097431.4), dbSNP rs2468166430, ClinGen allele CA349069342.

ClinVar aggregate classification (germline): Pathogenic (1 of 4 stars; one submission).

Conditions:
Early-infantile DEE. Also called: Early infantile epileptic encephalopathy; Early infantile epileptic encephalopathy with suppression bursts; Ohtahara syndrome. Identifiers: Orphanet 1934, MedGen C0393706, MONDO:0800491.

Submission:

Labcorp Genetics (formerly Invitae), Labcorp
Classification: Pathogenic for Early-infantile DEE. Last evaluated: 2022-02-13. Review status: criteria provided, single submitter. Criteria: Invitae Variant Classification Sherloc (09022015). Collection method: clinical testing. Allele origin: germline.
Comment: For these reasons, this variant has been classified as Pathogenic. This variant has not been reported in the literature in individuals affected with SCN1A-related conditions. This variant is not present in population databases (gnomAD no frequency). This sequence change creates a premature translational stop signal (p.Gln521*) in the SCN1A gene. It is expected to result in an absent or disrupted protein product. Loss-of-function variants in SCN1A are known to be pathogenic (PMID: 17347258, 18930999).

Literature cited by the submitters: PubMed 17347258; PubMed 18930999.